The following is an entry in ClinVar:

NM_000027.4(AGA):c.76C>T (p.Pro26Ser)

Gene: AGA (aspartylglucosaminidase; minus strand). Cytogenetic location: 4q34.3.
Variant type: single nucleotide variant.
Coding change: c.76C>T on transcript NM_000027.4 (MANE Select); coding-DNA position 76, C replaced by T.
Protein change: p.Pro26Ser; replaces proline 26 with serine.
Molecular consequence: missense variant. On other transcripts: non-coding transcript variant (1).
Genome position (GRCh38, 1-based): chr4:177,442,300, G>A on the plus strand (C>T on the coding strand, the complement: AGA is on the minus strand). VCF-style: chr4-177442300-G-A. GRCh37 (hg19) VCF-style: chr4-178363454-G-A.
Other names: c.76C>T, p.Pro26Ser (NM_001171988.2); short protein forms P26S.
Identifiers: ClinVar variation 2149848 (VCV002149848.1), dbSNP rs763679698, ClinGen allele CA3147056.
Genomic context (GRCh38, chr4:177,442,300, plus strand): 5'-AACCCGCACCTGCTTCGGTTGCATTCTTAAAGGGCCAAGTGTTGACGACCAGGGGCAGAG[G>A]GCTGGAGCAGCGCACTAGGGCCTGGCAGAGCAGAAACGGCACGAGAAGCACAGGCAAGTT-3'
Protein context (NP_000018.2, residues 16-36): LCQALVRCSS[Pro26Ser]LPLVVNTWPF

ClinVar aggregate classification (germline): Uncertain significance (1 of 4 stars; one submission).

Conditions:
Aspartylglucosaminuria (AGU). Also called: GLYCOASPARAGINASE; GLYCOSYLASPARAGINASE DEFICIENCY; AGA DEFICIENCY; Aspartylglucos-aminuria; Aspartylglucos-amidase (AGA) deficiency. Identifiers: Orphanet 93, MedGen C0268225, MONDO:0008830, OMIM 208400, HP:0012068.

Allele frequency attached by ClinVar (database versions not stated): gnomAD 0.00001; gnomAD exomes 0.00003; ExAC 0.00005.
gnomAD v4.1: 19 of 1,613,962 alleles (0.0012%); highest among the groups gnomAD compares: South Asian, 0.021%; no homozygotes.

Submission:

Labcorp Genetics (formerly Invitae), Labcorp
Classification: Uncertain significance for Aspartylglucosaminuria. Last evaluated: 2022-07-06. Review status: criteria provided, single submitter. Criteria: Invitae Variant Classification Sherloc (09022015). Collection method: clinical testing. Allele origin: germline.
Comment: This sequence change replaces proline, which is neutral and non-polar, with serine, which is neutral and polar, at codon 26 of the AGA protein (p.Pro26Ser). This variant is present in population databases (rs763679698, gnomAD 0.03%). This variant has not been reported in the literature in individuals affected with AGA-related conditions. Algorithms developed to predict the effect of missense changes on protein structure and function (SIFT, PolyPhen-2, Align-GVGD) all suggest that this variant is likely to be tolerated. In summary, the available evidence is currently insufficient to determine the role of this variant in disease. Therefore, it has been classified as a Variant of Uncertain Significance.